The following is an entry in ClinVar:

NM_002691.4(POLD1):c.26C>T (p.Pro9Leu)

Gene: POLD1 (DNA polymerase delta 1, catalytic subunit; plus strand). Cytogenetic location: 19q13.33.
Variant type: single nucleotide variant.
Coding change: c.26C>T on transcript NM_002691.4 (MANE Select); coding-DNA position 26, C replaced by T.
Protein change: p.Pro9Leu; replaces proline 9 with leucine.
Molecular consequence: missense variant. On other transcripts: non-coding transcript variant (1).
Genome position (GRCh38, 1-based): chr19:50,398,877, C>T. VCF-style: chr19-50398877-C-T. GRCh37 (hg19) VCF-style: chr19-50902134-C-T.
Other names: c.26C>T, p.Pro9Leu (NM_001256849.1, NM_001308632.1); short protein forms P9L.
Identifiers: ClinVar variation 537098 (VCV000537098.8), dbSNP rs1555789025, ClinGen allele CA406970001.
Genomic context (GRCh38, chr19:50,398,877, plus strand): 5'-CAGAACCTCCACCAAGCTCCAACTTGCCCAGCAGGATGGATGGCAAGCGGCGGCCAGGCC[C>T]AGGGCCCGGGGTGCCCCCAAAGCGGGCCCGTGGGGGCCTCTGGGATGATGATGATGCACC-3'
Protein context (NP_002682.2, residues 1-19): MDGKRRPG[Pro9Leu]GPGVPPKRAR

ClinVar aggregate classification (germline): Uncertain significance (1 of 4 stars; one submission).

Conditions:
POLD1-related polyposis and colorectal cancer syndrome (CRCS10). Also called: Colorectal cancer 10; COLORECTAL CANCER, SUSCEPTIBILITY TO, ON CHROMOSOME 19q; Colorectal cancer, susceptibility to, 10. Identifiers: Orphanet 220460, MedGen C2675481, MONDO:0012953, OMIM 612591.

gnomAD v4.1: 1 of 1,608,142 alleles (0.000062%); no homozygotes.

Submission:

Labcorp Genetics (formerly Invitae), Labcorp
Classification: Uncertain significance for POLD1-related polyposis and colorectal cancer syndrome. Last evaluated: 2024-02-03. Review status: criteria provided, single submitter. Criteria: Invitae Variant Classification Sherloc (09022015). Collection method: clinical testing. Allele origin: germline.
Comment: This sequence change replaces proline, which is neutral and non-polar, with leucine, which is neutral and non-polar, at codon 9 of the POLD1 protein (p.Pro9Leu). This variant is not present in population databases (gnomAD no frequency). This variant has not been reported in the literature in individuals affected with POLD1-related conditions. ClinVar contains an entry for this variant (Variation ID: 537098). Experimental studies and prediction algorithms are not available or were not evaluated, and the functional significance of this variant is currently unknown. In summary, the available evidence is currently insufficient to determine the role of this variant in disease. Therefore, it has been classified as a Variant of Uncertain Significance.